The following is an entry in ClinVar:

Conditions:
Breast-ovarian cancer, familial, susceptibility to, 1 (BROVCA1). Also called: BRCA1 Hereditary Breast and Ovarian Cancer; OVARIAN CANCER, SUSCEPTIBILITY TO. Identifiers: Orphanet 145, MedGen C2676676, MONDO:0011450, OMIM 604370. Disease mechanism: loss of function.

Submission:

Brotman Baty Institute, University of Washington
No classification provided (evidence only). Condition: Breast-ovarian cancer, familial 1. Review status: no classification provided. Collection method: in vitro. Allele origin: not applicable. Functional consequence: functionally_normal.
ClinVar note: "not provided" was previously submitted as the classification for the variant. However, the classification appeared to be based only on an observation of functional data so it was converted to no classification on 2025-07-30.

NM_007294.4(BRCA1):c.5070A>G (p.Lys1690=)

Gene: BRCA1 (BRCA1 DNA repair associated; minus strand). Cytogenetic location: 17q21.31.
Variant type: single nucleotide variant.
Coding change: c.5070A>G on transcript NM_007294.4 (MANE Select); coding-DNA position 5070, A replaced by G.
Protein change: p.Lys1690=; no amino-acid change (lysine 1690 retained).
Molecular consequence: synonymous variant. On other transcripts: intron variant (1).
Genome position (GRCh38, 1-based): chr17:43,067,612, T>C on the plus strand (A>G on the coding strand, the complement: BRCA1 is on the minus strand). VCF-style: chr17-43067612-T-C. GRCh37 (hg19) VCF-style: chr17-41219629-T-C.
Other names: c.1617A>G, p.Lys539= (NM_001408460.1, NM_001408461.1, NM_001408462.1 and 7 more transcripts); c.1614A>G, p.Lys538= (NM_001408468.1, NM_001408469.1, NM_001408470.1); c.1758A>G, p.Lys586= (NM_001408472.1, NM_007298.4, NM_007299.4 and 13 more transcripts); c.1755A>G, p.Lys585= (NM_001408473.1, NM_001408392.1, NM_001408396.1 and 8 more transcripts); c.1560A>G, p.Lys520= (NM_001408474.1); c.1557A>G, p.Lys519= (NM_001408475.1, NM_001408476.1); c.1551A>G, p.Lys517= (NM_001408478.1, NM_001408479.1, NM_001408480.1); c.1548A>G, p.Lys516= (NM_001408481.1, NM_001408482.1, NM_001408483.1 and 5 more transcripts); and 71 more.
Identifiers: ClinVar variation 868589 (VCV000868589.3), dbSNP rs2052157151, ClinGen allele CA500146301.
Genomic context (GRCh38, chr17:43,067,612, plus strand): 5'-CCTCATGTGGTTTTATGCAGCAGATGCAAGGTATTCTGTAAAGGTTCTTGGTATACCTGT[T>C]TTCATAACAACATGAGTAGTCTCTTCAGTAATTAGATTAGTTAAAGTGATGTGGTGTTTT-3'
Protein context (NP_009225.1, residues 1680-1700): ITEETTHVVM[Lys1690=]TDAEFVCERT